The following is an entry in ClinVar:

ClinVar aggregate classification (germline): Uncertain significance (1 of 4 stars; one submission).

Conditions:
Marfan syndrome (MFS). Also called: MARFAN SYNDROME, TYPE I; Marfan syndrome type 1; Marfan's syndrome; Marfan syndrome, classic; FBN1-Related Marfan Syndrome. Identifiers: Orphanet 284963, Orphanet 558, MedGen C0024796, MONDO:0007947, OMIM 154700.
Familial thoracic aortic aneurysm and aortic dissection (TAAD). Also called: Thoracic aortic aneurysms and dissections. Identifiers: Orphanet 91387, MedGen C4707243, MONDO:0019625.

Submission:

Labcorp Genetics (formerly Invitae), Labcorp
Classification: Uncertain significance for Marfan syndrome; Familial thoracic aortic aneurysm and aortic dissection. Last evaluated: 2023-11-05. Review status: criteria provided, single submitter. Criteria: Invitae Variant Classification Sherloc (09022015). Collection method: clinical testing. Allele origin: germline.
Comment: This sequence change replaces asparagine, which is neutral and polar, with threonine, which is neutral and polar, at codon 1324 of the FBN1 protein (p.Asn1324Thr). This variant is not present in population databases (gnomAD no frequency). This variant has not been reported in the literature in individuals affected with FBN1-related conditions. Advanced modeling of protein sequence and biophysical properties (such as structural, functional, and spatial information, amino acid conservation, physicochemical variation, residue mobility, and thermodynamic stability) performed at Invitae indicates that this missense variant is expected to disrupt FBN1 protein function with a positive predictive value of 95%. In summary, the available evidence is currently insufficient to determine the role of this variant in disease. Therefore, it has been classified as a Variant of Uncertain Significance.

NM_000138.5(FBN1):c.3971A>C (p.Asn1324Thr)

Gene: FBN1 (fibrillin 1; minus strand). Cytogenetic location: 15q21.1.
Variant type: single nucleotide variant.
Coding change: c.3971A>C on transcript NM_000138.5 (MANE Select); coding-DNA position 3971, A replaced by C.
Protein change: p.Asn1324Thr; replaces asparagine 1324 with threonine.
Molecular consequence: missense variant.
Genome position (GRCh38, 1-based): chr15:48,474,644, T>G on the plus strand (A>C on the coding strand, the complement: FBN1 is on the minus strand). VCF-style: chr15-48474644-T-G. GRCh37 (hg19) VCF-style: chr15-48766841-T-G.
Other names: c.3971A>C, p.Asn1324Thr (NM_001406716.1); short protein forms N1324T.
Identifiers: ClinVar variation 2953586 (VCV002953586.3), dbSNP rs778709645, ClinGen allele CA392320655.